The following is an entry in ClinVar:

ClinVar aggregate classification (germline): Likely benign (0 of 4 stars; one submission).

Conditions:
NHLRC2-related disorder. Also called: NHLRC2-related condition.

Submission:

PreventionGenetics, part of Exact Sciences
Classification: Likely benign for NHLRC2-related condition. Last evaluated: 2019-08-28. Review status: no assertion criteria provided. Collection method: clinical testing. Allele origin: germline.
Comment: This variant is classified as likely benign based on ACMG/AMP sequence variant interpretation guidelines (Richards et al. 2015 PMID: 25741868, with internal and published modifications).

NM_198514.4(NHLRC2):c.1372-7del

Gene: NHLRC2 (NHL repeat containing 2; plus strand). Cytogenetic location: 10q25.3.
Variant type: Deletion.
Coding change: c.1372-7del on transcript NM_198514.4 (MANE Select); 7 bases into the intron before coding-DNA position 1372, one base deleted (A; older notation c.1372-7delA).
Molecular consequence: intron variant.
Genome position (GRCh38, 1-based): chr10:113,902,464, A deleted; the last of 8 consecutive A bases (chr10:113,902,457-113,902,464); deleting any one gives the same sequence. VCF-style (leftmost placement, unchanged base first): chr10-113902456-TA-T. GRCh37 (hg19) VCF-style: chr10-115662215-TA-T.
Identifiers: ClinVar variation 3053244 (VCV003053244.2), dbSNP rs532975160, ClinGen allele CA5698014.
Genomic context (GRCh38, chr10:113,902,456, plus strand): 5'-TTTCCTTCATATTCTAACAAAACACTGTAAAAATTATAATAACTGCTGTTTCTTTTCTTT[TA>T]AAAAAAATTAAAGAATTTATTTGCTTTTGGTGATGTTGATGGAGTAGGAATCAATGCAAA-3'